The following is an entry in ClinVar:

NM_001377.3(DYNC2H1):c.8951del (p.Pro2983_Leu2984insTer)

Gene: DYNC2H1 (dynein cytoplasmic 2 heavy chain 1; plus strand). Cytogenetic location: 11q22.3.
Variant type: Deletion.
Coding change: c.8951del on transcript NM_001377.3 (MANE Select); coding-DNA position 8951, one base deleted (T; older notation c.8951delT).
Protein change: p.Pro2983_Leu2984insTer.
Molecular consequence: nonsense.
Genome position (GRCh38, 1-based): chr11:103,220,627, T deleted; the last of 3 consecutive T bases (chr11:103,220,625-103,220,627); deleting any one gives the same sequence. VCF-style (leftmost placement, unchanged base first): chr11-103220624-CT-C. GRCh37 (hg19) VCF-style: chr11-103091353-CT-C.
Other names: c.8951del, p.Pro2983_Leu2984insTer (NM_001080463.2).
Identifiers: ClinVar variation 2584791 (VCV002584791.1), dbSNP rs2496453166, ClinGen allele CA2582342472.
Genomic context (GRCh38, chr11:103,220,624, plus strand): 5'-AGTTAATGATTTAAAGAAATATATAATTTGAAGATAAAAATGGCCTTTTTCTCTTTTAGC[CT>C]TTAGTCAATGAAGCTAAACTAGCAGTTGGAAACATTAAGCCCGAATCACTTTCAGAAATT-3'

ClinVar aggregate classification (germline): Likely pathogenic (1 of 4 stars; one submission).

Conditions:
Asphyxiating thoracic dystrophy 3. Also called: SHORT-RIB THORACIC DYSPLASIA 3 WITH OR WITHOUT POLYDACTYLY; POLYDACTYLY WITH NEONATAL CHONDRODYSTROPHY, TYPE I; SHORT-RIB THORACIC DYSPLASIA 3/6 WITH POLYDACTYLY, DIGENIC; Short rib polydactyly syndrome 2B; Saldino-Noonan Syndrome. Identifiers: Orphanet 474, Orphanet 93269, Orphanet 93270, Orphanet 93271, MedGen C0036069, MONDO:0013127, OMIM 613091.

Submission:

Neuberg Centre For Genomic Medicine, NCGM
Classification: Likely pathogenic for Asphyxiating thoracic dystrophy 3. Review status: criteria provided, single submitter. Criteria: ACMG Guidelines, 2015. Collection method: clinical testing. Allele origin: germline. Inheritance: Autosomal recessive inheritance. Affected: yes.
Comment: The frameshift variant c.8951del (p.Leu2984Ter) in DYNC2H1 gene has not been reported previously as a pathogenic variant nor as a benign variant, to our knowledge. The c.8951del variant is novel (not in any individuals) in gnomAD Exomes and 1000 Genomes. This variant is predicted to cause loss of normal protein function. Loss of function variants have been previously reported to be disease causing. For these reasons, this variant has been classified as Likely Pathogenic.